The following is an entry in ClinVar:

NM_021098.3(CACNA1H):c.718_720del (p.Val240del)

Gene: CACNA1H (calcium voltage-gated channel subunit alpha1 H; plus strand). Cytogenetic location: 16p13.3.
Variant type: Deletion.
Coding change: c.718_720del on transcript NM_021098.3 (MANE Select); coding-DNA positions 718 to 720, 3 bases deleted (GTC; older notation c.718_720delGTC).
Protein change: p.Val240del; deletes valine 240.
Molecular consequence: inframe deletion.
Genome position (GRCh38, 1-based): chr16:1,198,689-1,198,691, GTC deleted; deleting any 3 consecutive bases within chr16:1,198,687-1,198,691 gives the same sequence; the c. name uses the placement nearest the transcript's 3' end. VCF-style (leftmost placement, unchanged base first): chr16-1198686-TTCG-T. GRCh37 (hg19) VCF-style: chr16-1248686-TTCG-T.
Other names: c.718_720del, p.Val240del (NM_001005407.2); short protein forms V240del.
Identifiers: ClinVar variation 3761110 (VCV003761110.2).

ClinVar aggregate classification (germline): Uncertain significance (1 of 4 stars; one submission).

Conditions:
Idiopathic generalized epilepsy. Also called: EIG; Generalised epilepsy. Identifiers: MedGen C0270850, MONDO:0005579, OMIM 600669.
Hyperaldosteronism, familial, type IV (HALD4). Also called: FH IV; ALDOSTERONISM, PRIMARY, AND HYPERTENSION. Identifiers: Orphanet 642671, MedGen C4310756, MONDO:0014875, OMIM 617027.

Submission:

Labcorp Genetics (formerly Invitae), Labcorp
Classification: Uncertain significance for Idiopathic generalized epilepsy; Hyperaldosteronism, familial, type IV. Last evaluated: 2024-12-08. Review status: criteria provided, single submitter. Criteria: Invitae Variant Classification Sherloc (09022015). Collection method: clinical testing. Allele origin: germline.
Comment: This variant, c.718_720del, results in the deletion of 1 amino acid(s) of the CACNA1H protein (p.Val240del), but otherwise preserves the integrity of the reading frame. This variant is not present in population databases (gnomAD no frequency). This variant has not been reported in the literature in individuals affected with CACNA1H-related conditions. Experimental studies and prediction algorithms are not available or were not evaluated, and the functional significance of this variant is currently unknown. In summary, the available evidence is currently insufficient to determine the role of this variant in disease. Therefore, it has been classified as a Variant of Uncertain Significance.